The following is an entry in ClinVar:

NM_032638.5(GATA2):c.130G>T (p.Glu44Ter)

Gene: GATA2 (GATA binding protein 2; minus strand). Cytogenetic location: 3q21.3.
Variant type: single nucleotide variant.
Coding change: c.130G>T on transcript NM_032638.5 (MANE Select); coding-DNA position 130, G replaced by T.
Protein change: p.Glu44Ter; replaces glutamic acid 44 with a stop codon.
Molecular consequence: nonsense.
Genome position (GRCh38, 1-based): chr3:128,486,902, C>A on the plus strand (G>T on the coding strand, the complement: GATA2 is on the minus strand). VCF-style: chr3-128486902-C-A. GRCh37 (hg19) VCF-style: chr3-128205745-C-A.
Other names: c.130G>T (NM_032638.4); c.130G>T, p.Glu44Ter (NM_001145661.2, NM_001145662.1); short protein forms E44*.
Identifiers: ClinVar variation 1184166 (VCV001184166.4), dbSNP rs2107673544, ClinGen allele CA354408751.

ClinVar aggregate classification (germline): Pathogenic. Review status: criteria provided, multiple submitters, no conflicts (2 of 4 stars). 3 submissions from 3 submitters: Pathogenic (3). Last evaluated 2024-05-08.

Conditions:
GATA2 deficiency with susceptibility to MDS/AML. Identifiers: MedGen CN300066, MONDO:0042982.
Deafness-lymphedema-leukemia syndrome. Also called: Emberger syndrome; Lymphedema, primary, with myelodysplasia. Identifiers: Orphanet 3226, MedGen C3279664, MONDO:0013540, OMIM 614038.
Monocytopenia with susceptibility to infections. Also called: GATA2 DEFICIENCY; IMMUNODEFICIENCY 21; MONOCYTOPENIA AND MYCOBACTERIAL INFECTION SYNDROME; MONOCYTOPENIA WITH SUSCEPTIBILITY TO MYCOBACTERIAL, FUNGAL, AND PAPILLOMAVIRUS INFECTIONS AND MYELODYSPLASIA; COMBINED IMMUNODEFICIENCY WITH SUSCEPTIBILITY TO MYCOBACTERIAL, VIRAL, AND FUNGAL INFECTIONS; Dendritic cell, monocyte, B lymphocyte, and natural killer lymphocyte deficiency. Identifiers: Orphanet 228423, MedGen C3280030, MONDO:0013607, OMIM 614172.

Submissions (3):

Labcorp Genetics (formerly Invitae), Labcorp
Classification: Pathogenic for Monocytopenia with susceptibility to infections; Deafness-lymphedema-leukemia syndrome. Last evaluated: 2024-05-08. Review status: criteria provided, single submitter. Criteria: Invitae Variant Classification Sherloc (09022015). Collection method: clinical testing. Allele origin: germline.
Comment: This sequence change creates a premature translational stop signal (p.Glu44*) in the GATA2 gene. It is expected to result in an absent or disrupted protein product. Loss-of-function variants in GATA2 are known to be pathogenic (PMID: 21670465, 23223431). This variant is not present in population databases (gnomAD no frequency). This premature translational stop signal has been observed in individual(s) with clinical features of Emberger syndrome (PMID: 24167460, 28271814). ClinVar contains an entry for this variant (Variation ID: 1184166). For these reasons, this variant has been classified as Pathogenic.

GeneDx
Classification: Pathogenic. Last evaluated: 2023-10-02. Review status: criteria provided, single submitter. Criteria: GeneDx Variant Classification Process June 2021. Collection method: clinical testing. Allele origin: germline. Affected: yes.
Comment: Nonsense variant predicted to result in protein truncation or nonsense mediated decay in a gene for which loss of function is a known mechanism of disease; Not observed at significant frequency in large population cohorts (gnomAD); This variant is associated with the following publications: (PMID: 24167460, 34387894, 28271814)

Molecular Pathology Research Laboratory, SA Pathology
Classification: Pathogenic for GATA2 deficiency with susceptibility to MDS/AML; Deafness-lymphedema-leukemia syndrome. Last evaluated: 2021-07-06. Review status: criteria provided, single submitter. Criteria: ACMG Guidelines, 2015. Collection method: curation. Allele origin: germline. Inheritance: Autosomal dominant inheritance. Affected: yes. Observed: 3 variant alleles. Clinical features observed: Lymphedema, Hematological abnormality, Immunodeficiency.
Comment: PVS1, PS4_Moderate, PM2

Literature cited by the submitters: PubMed 21670465 (cited by Labcorp Genetics (formerly Invitae), Labcorp); PubMed 23223431 (cited by Labcorp Genetics (formerly Invitae), Labcorp); PubMed 24167460 (cited by Labcorp Genetics (formerly Invitae), Labcorp and Molecular Pathology Research Laboratory, SA Pathology); PubMed 28271814 (cited by Labcorp Genetics (formerly Invitae), Labcorp and Molecular Pathology Research Laboratory, SA Pathology).